The following is an entry in ClinVar:

ClinVar aggregate classification (germline): Uncertain significance (1 of 4 stars; one submission).

Submission:

Labcorp Genetics (formerly Invitae), Labcorp
Classification: Uncertain significance. Last evaluated: 2023-06-03. Review status: criteria provided, single submitter. Criteria: Invitae Variant Classification Sherloc (09022015). Collection method: clinical testing. Allele origin: germline.
Comment: In summary, the available evidence is currently insufficient to determine the role of this variant in disease. Therefore, it has been classified as a Variant of Uncertain Significance. An algorithm developed to predict the effect of missense changes on protein structure and function (PolyPhen-2) suggests that this variant is likely to be disruptive. This variant has not been reported in the literature in individuals affected with MS4A1-related conditions. This variant is not present in population databases (gnomAD no frequency). This sequence change replaces threonine, which is neutral and polar, with serine, which is neutral and polar, at codon 41 of the MS4A1 protein (p.Thr41Ser).

NM_152866.3(MS4A1):c.121A>T (p.Thr41Ser)

Gene: MS4A1 (membrane spanning 4-domains A1; plus strand). Cytogenetic location: 11q12.2.
Variant type: single nucleotide variant.
Coding change: c.121A>T on transcript NM_152866.3 (MANE Select); coding-DNA position 121, A replaced by T.
Protein change: p.Thr41Ser; replaces threonine 41 with serine.
Molecular consequence: missense variant.
Genome position (GRCh38, 1-based): chr11:60,462,495, A>T. VCF-style: chr11-60462495-A-T. GRCh37 (hg19) VCF-style: chr11-60229968-A-T.
Other names: c.121A>T, p.Thr41Ser (NM_021950.4, NM_152867.2); short protein forms T41S.
Identifiers: ClinVar variation 2798258 (VCV002798258.3), dbSNP rs2135197406, ClinGen allele CA380597989.
Genomic context (GRCh38, chr11:60,462,495, plus strand): 5'-ATTGCTATGCAATCTGGTCCAAAACCACTCTTCAGGAGGATGTCTTCACTGGTGGGCCCC[A>T]CGCAAAGCTTCTTCATGAGGGAATCTAAGACTTTGGGGGTAAGTCAGTTGCCTTCCATCC-3'
Protein context (NP_690605.1, residues 31-51): FRRMSSLVGP[Thr41Ser]QSFFMRESKT